The following is an entry in ClinVar:

ClinVar aggregate classification (germline): Likely pathogenic (0 of 4 stars; one submission).

Conditions:
Familial isolated deficiency of vitamin E (AVED). Also called: Ataxia with isolated vitamin E deficiency; ATAXIA, FRIEDREICH-LIKE, WITH SELECTIVE VITAMIN E DEFICIENCY. Identifiers: Orphanet 96, MedGen C1848533, MONDO:0010188, OMIM 277460.

Submission:

Solve-RD Consortium
Classification: Likely pathogenic for Familial isolated deficiency of vitamin E. Last evaluated: 2022-06-01. Review status: no assertion criteria provided. Collection method: provider interpretation. Allele origin: inherited. Affected: yes.
Comment: Variant confirmed as disease-causing by referring clinical team

Variant identified during reanalysis of unsolved cases by the Solve-RD project. The Solve-RD project has received funding from the European Union’s Horizon 2020 research and innovation programme under grant agreement No 779257.

Literature cited by the submitters: PubMed 39825153.

NM_000370.3(TTPA):c.594del (p.Asn198fs)

Gene: TTPA (alpha tocopherol transfer protein; minus strand). Cytogenetic location: 8q12.3.
Variant type: Deletion.
Coding change: c.594del on transcript NM_000370.3 (MANE Select); coding-DNA position 594, one base deleted (T; older notation c.594delT).
Protein change: p.Asn198fs; shifts the reading frame from asparagine 198.
Molecular consequence: frameshift variant. On other transcripts: non-coding transcript variant (3), intron variant (2).
Genome position (GRCh38, 1-based): chr8:63,064,275, A deleted on the plus strand (T on the coding strand, the reverse complement: TTPA is on the minus strand). VCF-style (leftmost placement, unchanged base first): chr8-63064274-CA-C. GRCh37 (hg19) VCF-style: chr8-63976833-CA-C.
Other names: c.246del, p.Asn82fs (NM_001413414.1); c.594del, p.Asn198fs (NM_001413416.1); c.711del, p.Asn237fs (NM_001413418.1); c.205-2850del (NM_001413417.1); c.359-2850del (NM_001413415.1); short protein forms N198fs, N237fs, N82fs.
Identifiers: ClinVar variation 3338092 (VCV003338092.1).